The following is an entry in ClinVar:

ClinVar aggregate classification (germline): Uncertain significance (1 of 4 stars; one submission).

Conditions:
Pitt-Hopkins-like syndrome 2 (PTHSL2). Identifiers: Orphanet 221150, Orphanet 600663, MedGen C3280479, MONDO:0013690, OMIM 614325.

Allele frequency attached by ClinVar (database versions not stated): gnomAD exomes below 0.00001 and 0.00002.

Submission:

Labcorp Genetics (formerly Invitae), Labcorp
Classification: Uncertain significance for Pitt-Hopkins-like syndrome 2. Last evaluated: 2023-04-20. Review status: criteria provided, single submitter. Criteria: Invitae Variant Classification Sherloc (09022015). Collection method: clinical testing. Allele origin: germline.
Comment: In summary, the available evidence is currently insufficient to determine the role of this variant in disease. Therefore, it has been classified as a Variant of Uncertain Significance. An algorithm developed to predict the effect of missense changes on protein structure and function (PolyPhen-2) suggests that this variant is likely to be tolerated. ClinVar contains an entry for this variant (Variation ID: 1516644). This variant has not been reported in the literature in individuals affected with NRXN1-related conditions. This variant is present in population databases (no rsID available, gnomAD 0.02%). This sequence change replaces arginine, which is basic and polar, with lysine, which is basic and polar, at codon 188 of the NRXN1 protein (p.Arg188Lys).

NM_001330078.2(NRXN1):c.563G>A (p.Arg188Lys)

Gene: NRXN1 (neurexin 1; minus strand). Cytogenetic location: 2p16.3.
Variant type: single nucleotide variant.
Coding change: c.563G>A on transcript NM_001330078.2 (MANE Select); coding-DNA position 563, G replaced by A.
Protein change: p.Arg188Lys; replaces arginine 188 with lysine.
Molecular consequence: missense variant.
Genome position (GRCh38, 1-based): chr2:51,027,711, C>T on the plus strand (G>A on the coding strand, the complement: NRXN1 is on the minus strand). VCF-style: chr2-51027711-C-T. GRCh37 (hg19) VCF-style: chr2-51254849-C-T.
Other names: c.563G>A, p.Arg188Lys (NM_001135659.3, NM_001330077.2, NM_001330079.2 and 15 more transcripts); short protein forms R188K.
Identifiers: ClinVar variation 1516644 (VCV001516644.8), dbSNP rs747952123, ClinGen allele CA346823751.
Genomic context (GRCh38, chr2:51,027,711, plus strand): 5'-GGCTCATCGTCCAGCTTCACCTCGCCGCTGTCCACGGGCAGGACCTGCGAGGAGTTGACC[C>T]TCACGTCACGAATCCACCCCTTGAAGGGCTCCCGCTCCCTCACCGAGGCCAGGGTGAGCT-3'
Protein context (NP_001317007.1, residues 178-198): EPFKGWIRDV[Arg188Lys]VNSSQVLPVD